The following is an entry in ClinVar:

NM_033109.5(PNPT1):c.1424A>G (p.Glu475Gly)

Gene: PNPT1 (polyribonucleotide nucleotidyltransferase 1; minus strand). Cytogenetic location: 2p16.1.
Variant type: single nucleotide variant.
Coding change: c.1424A>G on transcript NM_033109.5 (MANE Select); coding-DNA position 1424, A replaced by G.
Protein change: p.Glu475Gly; replaces glutamic acid 475 with glycine.
Molecular consequence: missense variant.
Genome position (GRCh38, 1-based): chr2:55,656,148, T>C on the plus strand (A>G on the coding strand, the complement: PNPT1 is on the minus strand). VCF-style: chr2-55656148-T-C. GRCh37 (hg19) VCF-style: chr2-55883283-T-C.
Other names: short protein forms E475G.
Identifiers: ClinVar variation 39802 (VCV000039802.7), dbSNP rs397514599, ClinGen allele CA130567.
Genomic context (GRCh38, chr2:55,656,148, plus strand): 5'-ATATGGTCTTTTCTACTATGAAAGAAGTATTTCAATACCATACCATTTGACTCTAGGACT[T>C]CAGATGTAACTCTTATGGTGAAAGGAAAATCTCGGGGAATAACAGGATACAAAGCTTTCT-3'
Protein context (NP_149100.2, residues 465-485): DFPFTIRVTS[Glu475Gly]VLESNGSSSM

ClinVar aggregate classification (germline): Likely pathogenic. Review status: criteria provided, single submitter (1 of 4 stars). 2 submissions from 2 submitters: Likely pathogenic (1). 1 of the submissions does not count toward it. Last evaluated 2025-03-14.

Conditions:
Combined oxidative phosphorylation defect type 13. Also called: Combined oxidative phosphorylation deficiency 13. Identifiers: Orphanet 319514, MedGen C4706283, MONDO:0013977, OMIM 614932.
Autosomal recessive nonsyndromic hearing loss 70. Also called: Deafness, autosomal recessive 70. Identifiers: Orphanet 90636, MedGen C1824925, MONDO:0013978, OMIM 614934.

Submissions (2):

First Genomix Gene Laboratory, Genetic Diagnostics Department
Classification: Likely pathogenic for Combined oxidative phosphorylation defect type 13; Autosomal recessive nonsyndromic hearing loss 70. Last evaluated: 2025-03-14. Review status: criteria provided, single submitter. Criteria: ACMG Guidelines, 2015. Collection method: clinical testing. Allele origin: germline. Inheritance: Autosomal recessive inheritance. Affected: no. Observed: 1 variant allele.

OMIM
Classification: Pathogenic for DEAFNESS, AUTOSOMAL RECESSIVE 70. Last evaluated: 2012-11-02. Review status: no assertion criteria provided. Collection method: literature only. Allele origin: germline. Not counted in ClinVar's aggregate classification.

Literature cited by the submitters: PubMed 23084290 (cited by OMIM).